The following is an entry in ClinVar:

NM_000203.5(IDUA):c.1227dup (p.Thr410fs)

Gene: IDUA (alpha-L-iduronidase; plus strand). Cytogenetic location: 4p16.3.
Variant type: Duplication.
Coding change: c.1227dup on transcript NM_000203.5 (MANE Select); coding-DNA position 1227, one base duplicated (G; older notation c.1227dupG).
Protein change: p.Thr410fs; shifts the reading frame from threonine 410.
Molecular consequence: frameshift variant. On other transcripts: non-coding transcript variant (1).
Genome position (GRCh38, 1-based): chr4:1,002,769, G duplicated; the last of 3 consecutive G bases (chr4:1,002,767-1,002,769); duplicating any one gives the same sequence. VCF-style (leftmost placement, unchanged base first): chr4-1002766-C-CG. GRCh37 (hg19) VCF-style: chr4-996554-C-CG.
Other names: c.831dup, p.Thr278fs (NM_001363576.1); short protein forms T278fs, T410fs.
Identifiers: ClinVar variation 929237 (VCV000929237.11), dbSNP rs1715179164, ClinGen allele CA1139658406.

ClinVar aggregate classification (germline): Pathogenic/Likely pathogenic. Review status: criteria provided, multiple submitters, no conflicts (2 of 4 stars). 3 submissions from 3 submitters: Pathogenic (2); Likely pathogenic (1). Last evaluated 2022-05-27.

Conditions:
Mucopolysaccharidosis type 1. Also called: IDUA deficiency; MPS I; Mucopolysaccharidosis Type I. Identifiers: Orphanet 579, MedGen C0023786, MONDO:0001586.

Submissions (3):

Clinical Genetics Laboratory, Skane University Hospital Lund
Classification: Likely pathogenic. Last evaluated: 2022-05-27. Review status: criteria provided, single submitter. Criteria: ACMG Guidelines, 2015. Collection method: clinical testing. Allele origin: germline. Affected: yes.

Labcorp Genetics (formerly Invitae), Labcorp
Classification: Pathogenic for Mucopolysaccharidosis type 1. Last evaluated: 2020-06-07. Review status: criteria provided, single submitter. Criteria: Invitae Variant Classification Sherloc (09022015). Collection method: clinical testing. Allele origin: germline.
Comment: The frequency data for this variant in the population databases is considered unreliable, as metrics indicate insufficient coverage at this position in the ExAC database. This sequence change creates a premature translational stop signal (p.Thr410Aspfs*99) in the IDUA gene. It is expected to result in an absent or disrupted protein product. This variant has been observed in individual(s) with mucopolysaccharidosis type I (MPS I) (PMID: 21480867). Loss-of-function variants in IDUA are known to be pathogenic (PMID: 11735025, 21480867). For these reasons, this variant has been classified as Pathogenic.

Women's Health and Genetics/Laboratory Corporation of America, LabCorp
Classification: Pathogenic for Mucopolysaccharidosis type 1. Last evaluated: 2019-08-29. Review status: criteria provided, single submitter. Criteria: LabCorp Variant Classification Summary - May 2015. Collection method: clinical testing. Allele origin: germline.
Comment: Variant summary: IDUA c.1227dupG (p.Thr410AspfsX99) results in a premature termination codon, predicted to cause a truncation of the encoded protein or absence of the protein due to nonsense mediated decay, which are commonly known mechanisms for disease. Truncations downstream of this position have been classified as pathogenic by our laboratory. The variant was absent in 87618 control chromosomes (gnomAD). c.1227dupG has been reported in the literature in two compound heterozygote individuals affected with Mucopolysaccharidosis Type 1 (Wang_2012). The two patients had indicated IDUA activities of less than <10%. No clinical diagnostic laboratories have submitted clinical-significance assessments for this variant to ClinVar after 2014. Based on the evidence outlined above, the variant was classified as pathogenic.

Literature cited by the submitters: PubMed 21480867 (cited by Labcorp Genetics (formerly Invitae), Labcorp and Women's Health and Genetics/Laboratory Corporation of America, LabCorp); PubMed 11735025 (cited by Labcorp Genetics (formerly Invitae), Labcorp).